The following is an entry in ClinVar:

ClinVar aggregate classification (germline): Uncertain significance. Review status: criteria provided, multiple submitters, no conflicts (2 of 4 stars). 2 submissions from 2 submitters: Uncertain significance (2). Last evaluated 2024-06-14.

Conditions:
Cardiovascular phenotype. Identifiers: MedGen CN230736.
Hereditary cancer-predisposing syndrome. Also called: Tumor predisposition; Hereditary neoplastic syndrome; Neoplastic Syndromes, Hereditary; Hereditary Cancer Syndrome. Identifiers: Orphanet 140162, MedGen C0027672, MeSH D009386, MONDO:0015356.

Submissions (2):

Labcorp Genetics (formerly Invitae), Labcorp
Classification: Uncertain significance. Last evaluated: 2024-06-14. Review status: criteria provided, single submitter. Criteria: Invitae Variant Classification Sherloc (09022015). Collection method: clinical testing. Allele origin: germline.
Comment: This sequence change replaces valine, which is neutral and non-polar, with glycine, which is neutral and non-polar, at codon 541 of the LZTR1 protein (p.Val541Gly). This variant is not present in population databases (gnomAD no frequency). This variant has not been reported in the literature in individuals affected with LZTR1-related conditions. ClinVar contains an entry for this variant (Variation ID: 1428140). Advanced modeling of protein sequence and biophysical properties (such as structural, functional, and spatial information, amino acid conservation, physicochemical variation, residue mobility, and thermodynamic stability) performed at Invitae indicates that this missense variant is not expected to disrupt LZTR1 protein function with a negative predictive value of 80%. In summary, the available evidence is currently insufficient to determine the role of this variant in disease. Therefore, it has been classified as a Variant of Uncertain Significance.

Ambry Genetics
Classification: Uncertain significance for Cardiovascular phenotype; Hereditary cancer-predisposing syndrome. Last evaluated: 2022-12-05. Review status: criteria provided, single submitter. Criteria: Ambry Variant Classification Scheme 2023. Collection method: clinical testing. Allele origin: germline.
Comment: The p.V541G variant (also known as c.1622T>G), located in coding exon 15 of the LZTR1 gene, results from a T to G substitution at nucleotide position 1622. The valine at codon 541 is replaced by glycine, an amino acid with dissimilar properties. This amino acid position is conserved. In addition, this alteration is predicted to be deleterious by in silico analysis. Since supporting evidence is limited at this time, the clinical significance of this alteration remains unclear.

NM_006767.4(LZTR1):c.1622T>G (p.Val541Gly)

Gene: LZTR1 (leucine zipper like post translational regulator 1; plus strand). Cytogenetic location: 22q11.21.
Variant type: single nucleotide variant.
Coding change: c.1622T>G on transcript NM_006767.4 (MANE Select); coding-DNA position 1622, T replaced by G.
Protein change: p.Val541Gly; replaces valine 541 with glycine.
Molecular consequence: missense variant.
Genome position (GRCh38, 1-based): chr22:20,994,564, T>G. VCF-style: chr22-20994564-T-G. GRCh37 (hg19) VCF-style: chr22-21348853-T-G.
Other names: c.1622T>G (NM_006767.3); short protein forms V541G.
Identifiers: ClinVar variation 1428140 (VCV001428140.9), dbSNP rs2147967847, ClinGen allele CA410776477.